The following is an entry in ClinVar:

ClinVar aggregate classification (germline): Uncertain significance. Review status: criteria provided, multiple submitters, no conflicts (2 of 4 stars). 2 submissions from 2 submitters: Uncertain significance (2). Last evaluated 2026-01-17.

Conditions:
Cardiovascular phenotype. Identifiers: MedGen CN230736.
ABCG8-related disorder. Also called: ABCG8-related condition.

gnomAD v4.1: 4 of 1,613,168 alleles (0.00025%); highest among the groups gnomAD compares: East Asian, 0.0089%; no homozygotes.

Submissions (2):

Ambry Genetics
Classification: Uncertain significance for Cardiovascular phenotype. Last evaluated: 2026-01-17. Review status: criteria provided, single submitter. Criteria: Ambry Variant Classification Scheme 2023. Collection method: clinical testing. Allele origin: germline.
Comment: The p.S222T variant (also known as c.665G>C), located in coding exon 5 of the ABCG8 gene, results from a G to C substitution at nucleotide position 665. The serine at codon 222 is replaced by threonine, an amino acid with similar properties. This amino acid position is conserved. In addition, the in silico prediction for this alteration is inconclusive. Based on the available evidence, the clinical significance of this variant remains unclear.

PreventionGenetics, part of Exact Sciences
Classification: Uncertain significance for ABCG8-related condition. Last evaluated: 2025-04-14. Review status: criteria provided, single submitter. Criteria: ACMG Guidelines, 2015. Collection method: clinical testing. Allele origin: germline.
Comment: The ABCG8 c.665G>C variant is predicted to result in the amino acid substitution p.Ser222Thr. To our knowledge, this variant has not been reported in the literature. This variant is reported in 0.015% of alleles in individuals of East Asian descent in gnomAD. At this time, the clinical significance of this variant is uncertain due to the absence of conclusive functional and genetic evidence.

NM_022437.3(ABCG8):c.665G>C (p.Ser222Thr)

Gene: ABCG8 (ATP binding cassette subfamily G member 8; plus strand). Cytogenetic location: 2p21.
Variant type: single nucleotide variant.
Coding change: c.665G>C on transcript NM_022437.3 (MANE Select); coding-DNA position 665, G replaced by C.
Protein change: p.Ser222Thr; replaces serine 222 with threonine.
Molecular consequence: missense variant.
Genome position (GRCh38, 1-based): chr2:43,852,457, G>C. VCF-style: chr2-43852457-G-C. GRCh37 (hg19) VCF-style: chr2-44079596-G-C.
Other names: c.665G>C, p.Ser222Thr (NM_001357321.2); short protein forms S222T.
Identifiers: ClinVar variation 4824216 (VCV004824216.2).